The following is an entry in ClinVar:

ClinVar aggregate classification (germline): Uncertain significance (1 of 4 stars; one submission).

Submission:

Labcorp Genetics (formerly Invitae), Labcorp
Classification: Uncertain significance. Last evaluated: 2024-05-18. Review status: criteria provided, single submitter. Criteria: Invitae Variant Classification Sherloc (09022015). Collection method: clinical testing. Allele origin: germline.
Comment: This sequence change falls in intron 3 of the OPA1 gene. It does not directly change the encoded amino acid sequence of the OPA1 protein. This variant is not present in population databases (gnomAD no frequency). This variant has not been reported in the literature in individuals affected with OPA1-related conditions. Algorithms developed to predict the effect of sequence changes on RNA splicing suggest that this variant may disrupt the consensus splice site. In summary, the available evidence is currently insufficient to determine the role of this variant in disease. Therefore, it has been classified as a Variant of Uncertain Significance.

NM_130837.3(OPA1):c.448+7A>G

Gene: OPA1 (OPA1 mitochondrial dynamin like GTPase; plus strand). Cytogenetic location: 3q29.
Variant type: single nucleotide variant.
Coding change: c.448+7A>G on transcript NM_130837.3 (MANE Select); 7 bases into the intron after coding-DNA position 448, A replaced by G.
Molecular consequence: intron variant.
Genome position (GRCh38, 1-based): chr3:193,615,777, A>G. VCF-style: chr3-193615777-A-G. GRCh37 (hg19) VCF-style: chr3-193333566-A-G.
Other names: c.76+7A>G (NM_001354664.2, NM_001354663.2); c.448+7A>G (NM_130834.3, NM_130836.3, NM_015560.3 and 4 more transcripts).
Identifiers: ClinVar variation 3653785 (VCV003653785.2).